The following is an entry in ClinVar:

ClinVar aggregate classification (germline): Uncertain significance (1 of 4 stars; one submission).

Conditions:
Primary dilated cardiomyopathy (DCM). Also called: Dilated Cardiomyopathy. Identifiers: Orphanet 217604, MedGen C0007193, MeSH D002311, MONDO:0005021, HP:0001644. Inheritance: Various modes of inheritance.

Submission:

Labcorp Genetics (formerly Invitae), Labcorp
Classification: Uncertain significance for Primary dilated cardiomyopathy. Last evaluated: 2025-01-19. Review status: criteria provided, single submitter. Criteria: Invitae Variant Classification Sherloc (09022015). Collection method: clinical testing. Allele origin: germline.
Comment: This sequence change creates a premature translational stop signal (p.Cys500*) in the TXNRD2 gene. It is expected to result in an absent or disrupted protein product. However, the current clinical and genetic evidence is not sufficient to establish whether loss-of-function variants in TXNRD2 cause disease. Information on the frequency of this variant in the gnomAD database is not available, as this variant may be reported differently in the database. This variant has not been reported in the literature in individuals affected with TXNRD2-related conditions. ClinVar contains an entry for this variant (Variation ID: 2191250). Experimental studies and prediction algorithms are not available or were not evaluated, and the functional significance of this variant is currently unknown. In summary, the available evidence is currently insufficient to determine the role of this variant in disease. Therefore, it has been classified as a Variant of Uncertain Significance.

NM_006440.5(TXNRD2):c.1499_1500delinsAA (p.Cys500Ter)

Gene: TXNRD2 (thioredoxin reductase 2; minus strand). Cytogenetic location: 22q11.21.
Variant type: Indel.
Coding change: c.1499_1500delinsAA on transcript NM_006440.5 (MANE Select); coding-DNA positions 1499 to 1500, GC replaced by AA.
Protein change: p.Cys500Ter; replaces cysteine 500 with a stop codon.
Molecular consequence: nonsense. On other transcripts: non-coding transcript variant (1).
Genome position (GRCh38, 1-based): chr22:19,877,180-19,877,181, GC replaced by TT on the plus strand (GC replaced by AA on the coding strand, the reverse complement: TXNRD2 is on the minus strand). VCF-style: chr22-19877180-GC-TT. GRCh37 (hg19) VCF-style: chr22-19864703-GC-TT.
Other names: c.1496_1497delinsAA, p.Cys499Ter (NM_001352300.2); c.1409_1410delinsAA, p.Cys470Ter (NM_001352301.2); c.1211_1212delinsAA, p.Cys404Ter (NM_001352302.2); short protein forms C499*, C404*, C470*, C500*.
Identifiers: ClinVar variation 2191250 (VCV002191250.4), dbSNP rs2517266707, ClinGen allele CA2580099104.